The following is an entry in ClinVar:

ClinVar aggregate classification (germline): Benign/Likely benign. Review status: criteria provided, multiple submitters, no conflicts (2 of 4 stars). 3 submissions from 3 submitters: Benign (1); Likely benign (2). Last evaluated 2024-10-15.

Conditions:
Hereditary diffuse gastric adenocarcinoma (HDGC). Also called: DIFFUSE GASTRIC AND LOBULAR BREAST CANCER SYNDROME. Identifiers: Orphanet 26106, MedGen C1708349, MONDO:0007648, OMIM 137215.
Hereditary cancer-predisposing syndrome. Also called: Tumor predisposition; Neoplastic Syndromes, Hereditary; Hereditary neoplastic syndrome; Hereditary Cancer Syndrome. Identifiers: Orphanet 140162, MedGen C0027672, MeSH D009386, MONDO:0015356.

Submissions (3):

Myriad Genetics, Inc.
Classification: Benign for Hereditary diffuse gastric adenocarcinoma. Last evaluated: 2024-10-15. Review status: criteria provided, single submitter. Criteria: Myriad Autosomal Dominant, Autosomal Recessive and X-Linked Classification Criteria (2023). Collection method: clinical testing. Allele origin: unknown.
Comment: This variant is considered benign. This variant is a silent/synonymous amino acid change and it is not expected to impact splicing.

Ambry Genetics
Classification: Likely benign for Hereditary cancer-predisposing syndrome. Last evaluated: 2022-12-17. Review status: criteria provided, single submitter. Criteria: Ambry Variant Classification Scheme 2023. Collection method: clinical testing. Allele origin: germline.

Labcorp Genetics (formerly Invitae), Labcorp
Classification: Likely benign. Last evaluated: 2022-02-11. Review status: criteria provided, single submitter. Criteria: Invitae Variant Classification Sherloc (09022015). Collection method: clinical testing. Allele origin: germline.

NM_001903.5(CTNNA1):c.2415G>A (p.Gly805=)

Gene: CTNNA1 (catenin alpha 1; plus strand). Cytogenetic location: 5q31.2.
Variant type: single nucleotide variant.
Coding change: c.2415G>A on transcript NM_001903.5 (MANE Select); coding-DNA position 2415, G replaced by A.
Protein change: p.Gly805=; no amino-acid change (glycine 805 retained).
Molecular consequence: synonymous variant. On other transcripts: intron variant (1).
Genome position (GRCh38, 1-based): chr5:138,932,694, G>A. VCF-style: chr5-138932694-G-A. GRCh37 (hg19) VCF-style: chr5-138268383-G-A.
Other names: c.2415G>A, p.Gly805= (NM_001290307.3, NM_001323982.2, NM_001323983.1 and 2 more transcripts); c.2106G>A, p.Gly702= (NM_001290309.3); c.2046G>A, p.Gly682= (NM_001290310.3); c.1305G>A, p.Gly435= (NM_001290312.1, NM_001323987.1, NM_001323988.1 and 16 more transcripts); c.2322G>A, p.Gly774= (NM_001323986.2); c.966G>A, p.Gly322= (NM_001324006.1, NM_001324007.1, NM_001324008.1 and 2 more transcripts); c.1212G>A, p.Gly404= (NM_001324011.1); c.1062G>A, p.Gly354= (NM_001324012.1, NM_001324013.1); and 1 more.
Identifiers: ClinVar variation 2096829 (VCV002096829.7), dbSNP rs2533915138, ClinGen allele CA446598235.